The following is an entry in ClinVar:

ClinVar aggregate classification (germline): Uncertain significance. Review status: criteria provided, multiple submitters, no conflicts (2 of 4 stars). 2 submissions from 2 submitters: Uncertain significance (2). Last evaluated 2024-10-08.

Submissions (2):

Labcorp Genetics (formerly Invitae), Labcorp
Classification: Uncertain significance. Last evaluated: 2024-10-08. Review status: criteria provided, single submitter. Criteria: Invitae Variant Classification Sherloc (09022015). Collection method: clinical testing. Allele origin: germline.
Comment: This variant, c.2133_2135del, results in the deletion of 1 amino acid(s) of the KMT2E protein (p.Ile712del), but otherwise preserves the integrity of the reading frame. This variant is not present in population databases (gnomAD no frequency). This variant has not been reported in the literature in individuals affected with KMT2E-related conditions. Experimental studies and prediction algorithms are not available or were not evaluated, and the functional significance of this variant is currently unknown. In summary, the available evidence is currently insufficient to determine the role of this variant in disease. Therefore, it has been classified as a Variant of Uncertain Significance.

GeneDx
Classification: Uncertain significance. Last evaluated: 2023-10-20. Review status: criteria provided, single submitter. Criteria: GeneDx Variant Classification Process June 2021. Collection method: clinical testing. Allele origin: germline. Affected: yes.
Comment: Not observed at significant frequency in large population cohorts (gnomAD); In-frame deletion of 1 amino acid in a non-repeat region; In silico analysis supports that this variant does not alter protein structure/function; Has not been previously published as pathogenic or benign to our knowledge

NM_182931.3(KMT2E):c.2130AAT[1] (p.Ile712del)

Gene: KMT2E (lysine methyltransferase 2E (inactive); plus strand). Cytogenetic location: 7q22.3.
Variant type: Microsatellite.
Coding change: c.2130AAT[1] on transcript NM_182931.3 (MANE Select); one copy of the 3-base unit AAT starting at c.2130; the reference has two copies in a row; one copy, 3 bases deleted.
Protein change: p.Ile712del; deletes isoleucine 712.
Genome position (GRCh38, 1-based): chr7:105,102,131-105,102,133, AAT deleted; deleting any 3 consecutive bases within chr7:105,102,128-105,102,133 gives the same sequence; the position shown is the placement nearest the transcript's 3' end. VCF-style (leftmost placement, unchanged base first): chr7-105102127-AAAT-A. GRCh37 (hg19) VCF-style: chr7-104742574-AAAT-A.
Other names: c.2130AAT[1], p.Ile712del (NM_001410908.1, NM_018682.4); short protein forms I712del.
Identifiers: ClinVar variation 3366155 (VCV003366155.3).